The following is an entry in ClinVar:

NM_013275.6(ANKRD11):c.632G>A (p.Arg211Gln)

Gene: ANKRD11 (ankyrin repeat domain 11; minus strand). Cytogenetic location: 16q24.3.
Variant type: single nucleotide variant.
Coding change: c.632G>A on transcript NM_013275.6 (MANE Select); coding-DNA position 632, G replaced by A.
Protein change: p.Arg211Gln; replaces arginine 211 with glutamine.
Molecular consequence: missense variant. On other transcripts: non-coding transcript variant (1).
Genome position (GRCh38, 1-based): chr16:89,288,640, C>T on the plus strand (G>A on the coding strand, the complement: ANKRD11 is on the minus strand). VCF-style: chr16-89288640-C-T. GRCh37 (hg19) VCF-style: chr16-89355048-C-T.
Other names: c.632G>A, p.Arg211Gln (NM_001256182.2, NM_001256183.2); short protein forms R211Q.
Identifiers: ClinVar variation 3667942 (VCV003667942.2).
Genomic context (GRCh38, chr16:89,288,640, plus strand): 5'-CCCTTGGTGTTCACCTCCGCACCTGCAGCCAGCAGCTGCTTCGCGACGTCGTAGTAGCCC[C>T]GGTTACAGGCCTCGTGCAGCGCCGTCCAGCCTGGAAACAGACACTCAGGACGTACGTTAT-3'
Protein context (NP_037407.4, residues 201-221): GWTALHEACN[Arg211Gln]GYYDVAKQLL

ClinVar aggregate classification (germline): Uncertain significance (1 of 4 stars; one submission).

Conditions:
KBG syndrome (KBGS). Also called: ANKRD11-Related KBG Syndrome. Identifiers: Orphanet 2332, MedGen C0220687, MONDO:0007846, OMIM 148050.

Submission:

Labcorp Genetics (formerly Invitae), Labcorp
Classification: Uncertain significance for KBG syndrome. Last evaluated: 2025-10-01. Review status: criteria provided, single submitter. Criteria: Invitae Variant Classification Sherloc (09022015). Collection method: clinical testing. Allele origin: germline.
Comment: This sequence change replaces arginine, which is basic and polar, with glutamine, which is neutral and polar, at codon 211 of the ANKRD11 protein (p.Arg211Gln). This variant is not present in population databases (gnomAD no frequency). This variant has not been reported in the literature in individuals affected with ANKRD11-related conditions. ClinVar contains an entry for this variant (Variation ID: 3667942). Invitae Evidence Modeling of protein sequence and biophysical properties (such as structural, functional, and spatial information, amino acid conservation, physicochemical variation, residue mobility, and thermodynamic stability) has been performed for this missense variant. However, the output from this modeling did not meet the statistical confidence thresholds required to predict the impact of this variant on ANKRD11 protein function. In summary, the available evidence is currently insufficient to determine the role of this variant in disease. Therefore, it has been classified as a Variant of Uncertain Significance.